The following is an entry in ClinVar:

NM_003680.4(YARS1):c.695T>G (p.Ile232Ser)

Genes: YARS1 (tyrosyl-tRNA synthetase 1; minus strand), LOC126805688 (BRD4-independent group 4 enhancer GRCh37_chr1:33251929-33253128; plus strand). Cytogenetic location: 1p35.1.
Variant type: single nucleotide variant.
Coding change: c.695T>G on transcript NM_003680.4 (MANE Select); coding-DNA position 695, T replaced by G.
Protein change: p.Ile232Ser; replaces isoleucine 232 with serine.
Molecular consequence: missense variant.
Genome position (GRCh38, 1-based): chr1:32,787,065, A>C on the plus strand (T>G on the coding strand, the complement: YARS1 is on the minus strand). VCF-style: chr1-32787065-A-C. GRCh37 (hg19) VCF-style: chr1-33252666-A-C.
Other names: short protein forms I232S.
Identifiers: ClinVar variation 464878 (VCV000464878.7), dbSNP rs1553123310, ClinGen allele CA339685505.
Genomic context (GRCh38, chr1:32,787,065, plus strand): 5'-GGCTCACAGAAGGCCTTCTTCAGTTTTTTCTTCACATCCTCCTTCCGATCAAGGAGATCA[A>C]TCTTGGACTCCTAGAAGTCATAGAACGGAAGAGGACCTCTTGTGGTTGAAAATGAGAATA-3'
Protein context (NP_003671.1, residues 222-242): KMSSSEEESK[Ile232Ser]DLLDRKEDVK

ClinVar aggregate classification (germline): Uncertain significance (1 of 4 stars; one submission).

Conditions:
Charcot-Marie-Tooth disease dominant intermediate C (CMTDIC). Also called: CHARCOT-MARIE-TOOTH NEUROPATHY, DOMINANT INTERMEDIATE C. Identifiers: Orphanet 100045, MedGen C1842237, MONDO:0012012, OMIM 608323.

Submission:

Labcorp Genetics (formerly Invitae), Labcorp
Classification: Uncertain significance for Charcot-Marie-Tooth disease dominant intermediate C. Last evaluated: 2023-07-17. Review status: criteria provided, single submitter. Criteria: Invitae Variant Classification Sherloc (09022015). Collection method: clinical testing. Allele origin: germline.
Comment: ClinVar contains an entry for this variant (Variation ID: 464878). This variant has not been reported in the literature in individuals affected with YARS-related conditions. This variant is not present in population databases (gnomAD no frequency). This sequence change replaces isoleucine, which is neutral and non-polar, with serine, which is neutral and polar, at codon 232 of the YARS protein (p.Ile232Ser). Advanced modeling of protein sequence and biophysical properties (such as structural, functional, and spatial information, amino acid conservation, physicochemical variation, residue mobility, and thermodynamic stability) performed at Invitae indicates that this missense variant is expected to disrupt YARS protein function. In summary, the available evidence is currently insufficient to determine the role of this variant in disease. Therefore, it has been classified as a Variant of Uncertain Significance.